The following is an entry in ClinVar:

NM_001267550.2(TTN):c.69638G>C (p.Arg23213Pro)

Genes: TTN (titin; minus strand), TTN-AS1 (TTN antisense RNA 1; plus strand), LOC126806422 (BRD4-independent group 4 enhancer GRCh37_chr2:179440205-179441404; plus strand). Cytogenetic location: 2q31.2.
Variant type: single nucleotide variant.
Coding change: c.69638G>C on transcript NM_001267550.2 (MANE Select); coding-DNA position 69638, G replaced by C.
Protein change: p.Arg23213Pro; replaces arginine 23213 with proline.
Molecular consequence: missense variant.
Genome position (GRCh38, 1-based): chr2:178,576,606, C>G on the plus strand (G>C on the coding strand, the complement: TTN is on the minus strand). VCF-style: chr2-178576606-C-G. GRCh37 (hg19) VCF-style: chr2-179441333-C-G.
Other names: c.64715G>C, p.Arg21572Pro (NM_001256850.1); c.42443G>C, p.Arg14148Pro (NM_003319.4); c.61934G>C, p.Arg20645Pro (NM_133378.4); c.42818G>C, p.Arg14273Pro (NM_133432.3); c.43019G>C, p.Arg14340Pro (NM_133437.4); short protein forms R14148P, R20645P, R21572P, R23213P, R14273P, R14340P.
Identifiers: ClinVar variation 1739023 (VCV001739023.2), dbSNP rs374883884, ClinGen allele CA61004007.

ClinVar aggregate classification (germline): Uncertain significance (1 of 4 stars; one submission).

Conditions:
Cardiovascular phenotype. Identifiers: MedGen CN230736.

Allele frequency attached by ClinVar (database versions not stated): ESP Exome Variant Server 0.00008.
gnomAD v4.1: 3 of 1,613,466 alleles (0.00019%); highest among the groups gnomAD compares: Non-Finnish European, 0.00025%; no homozygotes.

Submission:

Ambry Genetics
Classification: Uncertain significance for Cardiovascular phenotype. Last evaluated: 2018-11-29. Review status: criteria provided, single submitter. Criteria: Ambry Variant Classification Scheme 2023. Collection method: clinical testing. Allele origin: germline.
Comment: The p.R14148P variant (also known as c.42443G>C), located in coding exon 152 of the TTN gene, results from a G to C substitution at nucleotide position 42443. The arginine at codon 14148 is replaced by proline, an amino acid with dissimilar properties. This amino acid position is highly conserved in available vertebrate species. In addition, this alteration is predicted to be deleterious by in silico analysis. Since supporting evidence is limited at this time, the clinical significance of this alteration remains unclear.